The following is an entry in ClinVar:

ClinVar aggregate classification (germline): Uncertain significance (1 of 4 stars; one submission).

gnomAD v4.1: 1 of 1,362,362 alleles (0.000073%); no homozygotes.

Submission:

Labcorp Genetics (formerly Invitae), Labcorp
Classification: Uncertain significance. Last evaluated: 2022-03-31. Review status: criteria provided, single submitter. Criteria: Invitae Variant Classification Sherloc (09022015). Collection method: clinical testing. Allele origin: germline.
Comment: In summary, the available evidence is currently insufficient to determine the role of this variant in disease. Therefore, it has been classified as a Variant of Uncertain Significance. Algorithms developed to predict the effect of missense changes on protein structure and function are either unavailable or do not agree on the potential impact of this missense change (SIFT: "Deleterious"; PolyPhen-2: "Not Available"; Align-GVGD: "Class C0"). This variant has not been reported in the literature in individuals affected with ERCC6L2-related conditions. This variant is not present in population databases (gnomAD no frequency). This sequence change replaces serine, which is neutral and polar, with phenylalanine, which is neutral and non-polar, at codon 1288 of the ERCC6L2 protein (p.Ser1288Phe).

NM_020207.7(ERCC6L2):c.3830C>T (p.Ser1277Phe)

Gene: ERCC6L2 (ERCC excision repair 6 like 2; plus strand). Cytogenetic location: 9q22.32.
Variant type: single nucleotide variant.
Coding change: c.3830C>T on transcript NM_020207.7 (MANE Select); coding-DNA position 3830, C replaced by T.
Protein change: p.Ser1277Phe; replaces serine 1277 with phenylalanine.
Molecular consequence: missense variant. On other transcripts: non-coding transcript variant (1), intron variant (2).
Genome position (GRCh38, 1-based): chr9:96,012,380, C>T. VCF-style: chr9-96012380-C-T. GRCh37 (hg19) VCF-style: chr9-98774662-C-T.
Other names: c.3674+7679C>T (NM_001375291.1, NM_001375292.1); short protein forms S1277F.
Identifiers: ClinVar variation 2120009 (VCV002120009.4), dbSNP rs1227611302, ClinGen allele CA466120957.
Genomic context (GRCh38, chr9:96,012,380, plus strand): 5'-AAATGCTAAGAGACTTTTATGCTTCTCAATATCCAGAGGTAAAAGAATTTTTTGTGGATT[C>T]TGTGTCACAATTCAACAATTCTTCCTTTGAGAAAGGAGAGCAGCGCACCCGGAAGAAATC-3'
Protein context (NP_064592.3, residues 1267-1287): YPEVKEFFVD[Ser1277Phe]VSQFNNSSFE